The following is an entry in ClinVar:

ClinVar aggregate classification (germline): Benign/Likely benign. Review status: criteria provided, multiple submitters, no conflicts (2 of 4 stars). 7 submissions from 7 submitters: Benign (3); Likely benign (4). Last evaluated 2026-01-24.

Allele frequency attached by ClinVar (database versions not stated): gnomAD 0.00175 and 0.00185; ESP Exome Variant Server 0.00177; TOPMed 0.00205; 1000 Genomes Project 30x 0.00297; 1000 Genomes Project 0.00300; gnomAD exomes 0.00016 and 0.00054; ExAC 0.00073.
gnomAD v4.1: 500 of 1,612,738 alleles (0.031%); highest among the groups gnomAD compares: African/African-American, 0.58%; 3 homozygotes.

Submissions (7):

Labcorp Genetics (formerly Invitae), Labcorp
Classification: Benign. Last evaluated: 2026-01-24. Review status: criteria provided, single submitter. Criteria: Invitae Variant Classification Sherloc (09022015). Collection method: clinical testing. Allele origin: germline.

ARUP Laboratories, Molecular Genetics and Genomics, ARUP Laboratories
Classification: Benign. Last evaluated: 2025-04-10. Review status: criteria provided, single submitter. Criteria: ARUP Molecular Germline Variant Investigation Process 2024. Collection method: clinical testing. Allele origin: germline.

Blueprint Genetics
Classification: Likely benign. Last evaluated: 2024-06-05. Review status: criteria provided, single submitter. Criteria: ACMG Guidelines, 2015. Collection method: clinical testing. Allele origin: germline.

GeneDx
Classification: Likely benign. Last evaluated: 2018-11-15. Review status: criteria provided, single submitter. Criteria: GeneDx Variant Classification Process June 2021. Collection method: clinical testing. Allele origin: germline. Affected: yes.

Eurofins Ntd Llc (ga)
Classification: Benign. Last evaluated: 2017-01-19. Review status: criteria provided, single submitter. Criteria: EGL Classification Definitions 2015. Collection method: clinical testing. Allele origin: germline. Observed: 1 variant allele, 1 heterozygote.

Laboratory for Molecular Medicine, Mass General Brigham Personalized Medicine
Classification: Likely benign. Last evaluated: 2012-04-30. Review status: criteria provided, single submitter. Criteria: LMM Criteria. Collection method: clinical testing. Allele origin: germline. Observed: 2 variant alleles.
Comment: 2115+7T>C in Intron 26 of COL11A2: This variant is not expected to have clinical significance because it is not located within the conserved splice consensus se quence and has been identified in 0.5% (19/3738) of African American chromosomes from a broad population by the NHLBI Exome Sequencing Project.

Breakthrough Genomics
Classification: Likely benign. Review status: criteria provided, single submitter. Criteria: ACMG Guidelines, 2015. Collection method: not provided. Allele origin: germline. Inheritance: Autosomal recessive inheritance. Affected: yes.

NM_080680.3(COL11A2):c.2115+7T>C

Gene: COL11A2 (collagen type XI alpha 2 chain; minus strand). Cytogenetic location: 6p21.32.
Variant type: single nucleotide variant.
Coding change: c.2115+7T>C on transcript NM_080680.3 (MANE Select); 7 bases into the intron after coding-DNA position 2115, T replaced by C.
Molecular consequence: intron variant.
Genome position (GRCh38, 1-based): chr6:33,176,714, A>G on the plus strand (T>C on the coding strand, the complement: COL11A2 is on the minus strand). VCF-style: chr6-33176714-A-G. GRCh37 (hg19) VCF-style: chr6-33144491-A-G.
Other names: c.1794+7T>C (NM_080679.3); c.1857+7T>C (NM_080681.3).
Identifiers: ClinVar variation 178328 (VCV000178328.20), dbSNP rs186051366, ClinGen allele CA182119.